The following is an entry in ClinVar:

ClinVar aggregate classification (germline): Pathogenic (1 of 4 stars; one submission).

Conditions:
Hereditary breast ovarian cancer syndrome. Also called: Hereditary breast and ovarian cancer syndrome (HBOC); Hereditary breast and/or ovarian cancer syndrome; Hereditary breast and ovarian cancer syndrome; BRCA1- and BRCA2-Associated Hereditary Breast and Ovarian Cancer; Hereditary breast and ovarian cancer; Breast and ovarian cancer. Identifiers: Orphanet 145, MedGen C0677776, MeSH D061325, MONDO:0003582. Disease mechanism: loss of function.

Submission:

Labcorp Genetics (formerly Invitae), Labcorp
Classification: Pathogenic for Hereditary breast ovarian cancer syndrome. Last evaluated: 2025-01-23. Review status: criteria provided, single submitter. Criteria: Invitae Variant Classification Sherloc (09022015). Collection method: clinical testing. Allele origin: germline.
Comment: This sequence change creates a premature translational stop signal (p.Thr1412Ilefs*7) in the BRCA2 gene. It is expected to result in an absent or disrupted protein product. Loss-of-function variants in BRCA2 are known to be pathogenic (PMID: 20104584). This variant is not present in population databases (gnomAD no frequency). This variant has not been reported in the literature in individuals affected with BRCA2-related conditions. For these reasons, this variant has been classified as Pathogenic.

Literature cited by the submitters: PubMed 20104584.

NM_000059.4(BRCA2):c.4235del (p.Thr1412fs)

Gene: BRCA2 (BRCA2 DNA repair associated; plus strand). Cytogenetic location: 13q13.1.
Variant type: Deletion.
Coding change: c.4235del on transcript NM_000059.4 (MANE Select); coding-DNA position 4235, one base deleted (C; older notation c.4235delC).
Protein change: p.Thr1412fs; shifts the reading frame from threonine 1412.
Molecular consequence: frameshift variant. On other transcripts: non-coding transcript variant (1), intron variant (2).
Genome position (GRCh38, 1-based): chr13:32,338,590, C deleted. VCF-style (leftmost placement, unchanged base first): chr13-32338589-AC-A. GRCh37 (hg19) VCF-style: chr13-32912726-AC-A.
Other names: c.4235del, p.Thr1412fs (NM_001406719.1, NM_001406720.1, NM_001432077.1); c.1909+5203del (NM_001406721.1); c.425-5968del (NM_001406722.1); short protein forms T1412fs.
Identifiers: ClinVar variation 3729424 (VCV003729424.2).